The following is an entry in ClinVar:

NM_000088.4(COL1A1):c.2746G>C (p.Ala916Pro)

Gene: COL1A1 (collagen type I alpha 1 chain; minus strand). Cytogenetic location: 17q21.33.
Variant type: single nucleotide variant.
Coding change: c.2746G>C on transcript NM_000088.4 (MANE Select); coding-DNA position 2746, G replaced by C.
Protein change: p.Ala916Pro; replaces alanine 916 with proline.
Molecular consequence: missense variant.
Genome position (GRCh38, 1-based): chr17:50,189,460, C>G on the plus strand (G>C on the coding strand, the complement: COL1A1 is on the minus strand). VCF-style: chr17-50189460-C-G. GRCh37 (hg19) VCF-style: chr17-48266821-C-G.
Other names: short protein forms A916P.
Identifiers: ClinVar variation 2418580 (VCV002418580.6), dbSNP rs2509184068, ClinGen allele CA400205730.
Genomic context (GRCh38, chr17:50,189,460, plus strand): 5'-ATCCTTTCTCGCCAGCAGGGCCAGGGGGACCAGGGGGACCAACTTCACCAGGACGTCCAG[C>G]AGGGCCAGTCTCACCACGGGGACCTTTGCCGCCTTCTTTGCCAGCAGGACCAGGAGGGCC-3'
Protein context (NP_000079.2, residues 906-926): GKGPRGETGP[Ala916Pro]GRPGEVGPPG

ClinVar aggregate classification (germline): Uncertain significance (1 of 4 stars; one submission).

Conditions:
Osteogenesis imperfecta type I (OI1). Also called: Lobstein's Disease; Osteogenesis imperfecta type 1; Lobstein disease; Classic Non-deforming Osteogenesis Imperfecta with Blue Sclerae; OI, TYPE I; OSTEOGENESIS IMPERFECTA TARDA. Identifiers: Orphanet 216796, Orphanet 666, MedGen C0023931, MONDO:0008146, OMIM 166200. Disease mechanism: loss of function.

Submission:

Labcorp Genetics (formerly Invitae), Labcorp
Classification: Uncertain significance for Osteogenesis imperfecta type I. Last evaluated: 2022-05-21. Review status: criteria provided, single submitter. Criteria: Invitae Variant Classification Sherloc (09022015). Collection method: clinical testing. Allele origin: germline.
Comment: This sequence change replaces alanine, which is neutral and non-polar, with proline, which is neutral and non-polar, at codon 916 of the COL1A1 protein (p.Ala916Pro). This variant is not present in population databases (gnomAD no frequency). In summary, the available evidence is currently insufficient to determine the role of this variant in disease. Therefore, it has been classified as a Variant of Uncertain Significance. Advanced modeling of protein sequence and biophysical properties (such as structural, functional, and spatial information, amino acid conservation, physicochemical variation, residue mobility, and thermodynamic stability) performed at Invitae indicates that this missense variant is not expected to disrupt COL1A1 protein function. This variant has not been reported in the literature in individuals affected with COL1A1-related conditions.